The following is an entry in ClinVar:

NM_007194.4(CHEK2):c.1487A>C (p.Gln496Pro)

Gene: CHEK2 (checkpoint kinase 2; minus strand). Cytogenetic location: 22q12.1.
Variant type: single nucleotide variant.
Coding change: c.1487A>C on transcript NM_007194.4 (MANE Select); coding-DNA position 1487, A replaced by C.
Protein change: p.Gln496Pro; replaces glutamine 496 with proline.
Molecular consequence: missense variant.
Genome position (GRCh38, 1-based): chr22:28,689,190, T>G on the plus strand (A>C on the coding strand, the complement: CHEK2 is on the minus strand). VCF-style: chr22-28689190-T-G. GRCh37 (hg19) VCF-style: chr22-29085178-T-G.
Other names: c.1616A>C, p.Gln539Pro (NM_001005735.3); c.824A>C, p.Gln275Pro (NM_001257387.3); c.1286A>C, p.Gln429Pro (NM_001349956.3); c.1400A>C, p.Gln467Pro (NM_145862.3); short protein forms Q467P, Q496P, Q275P, Q429P, Q539P.
Identifiers: ClinVar variation 1406057 (VCV001406057.11), dbSNP rs2145750109, ClinGen allele CA411092520.

ClinVar aggregate classification (germline): Uncertain significance. Review status: criteria provided, multiple submitters, no conflicts (2 of 4 stars). 2 submissions from 2 submitters: Uncertain significance (2). Last evaluated 2022-10-15.

Conditions:
Familial cancer of breast. Also called: hereditary breast carcinoma; BREAST CANCER, FAMILIAL; Hereditary breast cancer. Identifiers: Orphanet 227535, MedGen C0346153, MONDO:0016419, OMIM 114480. Disease mechanism: loss of function.
Hereditary cancer-predisposing syndrome. Also called: Hereditary neoplastic syndrome; Hereditary Cancer Syndrome; Neoplastic Syndromes, Hereditary; Tumor predisposition. Identifiers: Orphanet 140162, MedGen C0027672, MeSH D009386, MONDO:0015356.

Submissions (2):

Ambry Genetics
Classification: Uncertain significance for Hereditary cancer-predisposing syndrome. Last evaluated: 2022-10-15. Review status: criteria provided, single submitter. Criteria: Ambry Variant Classification Scheme 2023. Collection method: clinical testing. Allele origin: germline.
Comment: The p.Q496P variant (also known as c.1487A>C), located in coding exon 13 of the CHEK2 gene, results from an A to C substitution at nucleotide position 1487. The glutamine at codon 496 is replaced by proline, an amino acid with similar properties. This amino acid position is conserved. In addition, this alteration is predicted to be tolerated by in silico analysis. Since supporting evidence is limited at this time, the clinical significance of this alteration remains unclear.

Labcorp Genetics (formerly Invitae), Labcorp
Classification: Uncertain significance for Familial cancer of breast. Last evaluated: 2021-01-30. Review status: criteria provided, single submitter. Criteria: Invitae Variant Classification Sherloc (09022015). Collection method: clinical testing. Allele origin: germline.
Comment: This variant has not been reported in the literature in individuals with CHEK2-related conditions. In summary, the available evidence is currently insufficient to determine the role of this variant in disease. Therefore, it has been classified as a Variant of Uncertain Significance. Algorithms developed to predict the effect of missense changes on protein structure and function are either unavailable or do not agree on the potential impact of this missense change (SIFT: "Deleterious"; PolyPhen-2: "Benign"; Align-GVGD: "Class C0"). This variant is not present in population databases (ExAC no frequency). This sequence change replaces glutamine with proline at codon 496 of the CHEK2 protein (p.Gln496Pro). The glutamine residue is moderately conserved and there is a moderate physicochemical difference between glutamine and proline.